The following is an entry in ClinVar:

NM_001355436.2(SPTB):c.3241C>T (p.Gln1081Ter)

Gene: SPTB (spectrin beta, erythrocytic; minus strand). Cytogenetic location: 14q23.3.
Variant type: single nucleotide variant.
Coding change: c.3241C>T on transcript NM_001355436.2 (MANE Select); coding-DNA position 3241, C replaced by T.
Protein change: p.Gln1081Ter; replaces glutamine 1081 with a stop codon.
Molecular consequence: nonsense.
Genome position (GRCh38, 1-based): chr14:64,786,724, G>A on the plus strand (C>T on the coding strand, the complement: SPTB is on the minus strand). VCF-style: chr14-64786724-G-A. GRCh37 (hg19) VCF-style: chr14-65253442-G-A.
Other names: c.3241C>T, p.Gln1081Ter (NM_001024858.4, NM_001355437.2); short protein forms Q1081*.
Identifiers: ClinVar variation 3035554 (VCV003035554.3), dbSNP rs2503129257, ClinGen allele CA390046931.

ClinVar aggregate classification (germline): Pathogenic. Review status: criteria provided, single submitter (1 of 4 stars). 2 submissions from 2 submitters: Pathogenic (1). 1 of the submissions does not count toward it. Last evaluated 2024-12-05.

Conditions:
SPTB-related disorder. Also called: SPTB-related condition; SPTB-Related Disorders.

Submissions (2):

Revvity Omics, Revvity
Classification: Pathogenic. Last evaluated: 2024-12-05. Review status: criteria provided, single submitter. Criteria: ACMG Guidelines, 2015. Collection method: clinical testing. Allele origin: germline.

PreventionGenetics, part of Exact Sciences
Classification: Likely pathogenic for SPTB-related condition. Last evaluated: 2023-12-20. Review status: no assertion criteria provided. Collection method: clinical testing. Allele origin: germline. Not counted in ClinVar's aggregate classification.
Comment: The SPTB c.3241C>T variant is predicted to result in premature protein termination (p.Gln1081*). This variant has been reported in individuals with hereditary spherocytosis (Table S3, Choi et al. 2019. PubMed ID: 31122244; Tole et al. 2020. PubMed ID: 32436265). This variant has not been reported in a large population database, indicating this variant is rare. Nonsense variants in SPTB are expected to be pathogenic. This variant is interpreted as likely pathogenic.